The following is an entry in ClinVar:

ClinVar aggregate classification (germline): Uncertain significance (1 of 4 stars; one submission).

gnomAD v4.1: 4 of 1,612,340 alleles (0.00025%); highest among the groups gnomAD compares: Non-Finnish European, 0.00034%; no homozygotes.

Submission:

Labcorp Genetics (formerly Invitae), Labcorp
Classification: Uncertain significance. Last evaluated: 2023-05-28. Review status: criteria provided, single submitter. Criteria: Invitae Variant Classification Sherloc (09022015). Collection method: clinical testing. Allele origin: germline.
Comment: In summary, the available evidence is currently insufficient to determine the role of this variant in disease. Therefore, it has been classified as a Variant of Uncertain Significance. An algorithm developed to predict the effect of missense changes on protein structure and function (PolyPhen-2) suggests that this variant is likely to be tolerated. This variant has not been reported in the literature in individuals affected with TOP2B-related conditions. This variant is not present in population databases (gnomAD no frequency). This sequence change replaces lysine, which is basic and polar, with asparagine, which is neutral and polar, at codon 292 of the TOP2B protein (p.Lys292Asn).

NM_001330700.2(TOP2B):c.891A>C (p.Lys297Asn)

Gene: TOP2B (DNA topoisomerase II beta; minus strand). Cytogenetic location: 3p24.2.
Variant type: single nucleotide variant.
Coding change: c.891A>C on transcript NM_001330700.2 (MANE Select); coding-DNA position 891, A replaced by C.
Protein change: p.Lys297Asn; replaces lysine 297 with asparagine.
Molecular consequence: missense variant.
Genome position (GRCh38, 1-based): chr3:25,633,976, T>G on the plus strand (A>C on the coding strand, the complement: TOP2B is on the minus strand). VCF-style: chr3-25633976-T-G. GRCh37 (hg19) VCF-style: chr3-25675467-T-G.
Other names: c.876A>C, p.Lys292Asn (NM_001068.3); short protein forms K292N, K297N.
Identifiers: ClinVar variation 2745267 (VCV002745267.3), dbSNP rs778966179, ClinGen allele CA351911761.